The following is an entry in ClinVar:

NM_177438.3(DICER1):c.4412C>T (p.Pro1471Leu)

Gene: DICER1 (dicer 1, ribonuclease III; minus strand). Cytogenetic location: 14q32.13.
Variant type: single nucleotide variant.
Coding change: c.4412C>T on transcript NM_177438.3 (MANE Select); coding-DNA position 4412, C replaced by T.
Protein change: p.Pro1471Leu; replaces proline 1471 with leucine.
Molecular consequence: missense variant.
Genome position (GRCh38, 1-based): chr14:95,096,508, G>A on the plus strand (C>T on the coding strand, the complement: DICER1 is on the minus strand). VCF-style: chr14-95096508-G-A. GRCh37 (hg19) VCF-style: chr14-95562845-G-A.
Other names: NM_177438.3(DICER1):c.4412C>T; p.Pro1471Leu; c.4412C>T, p.Pro1471Leu (NM_001195573.1, NM_001271282.3, NM_001291628.2 and 1 more transcripts); short protein forms P1471L.
Identifiers: ClinVar variation 412179 (VCV000412179.25), dbSNP rs1060503657, ClinGen allele CA16614180.

ClinVar aggregate classification (germline): Likely benign. Review status: reviewed by expert panel (3 of 4 stars). 8 submissions from 8 submitters: Likely benign (1). 7 of the submissions do not count toward it. Last evaluated 2026-06-23.

Conditions:
Rhabdomyosarcoma, embryonal, 2 (RMSE2). Identifiers: MedGen C1867234, MONDO:0859046, OMIM 180295.
Pleuropulmonary blastoma (PPB). Identifiers: Orphanet 64742, MedGen C1266144, MONDO:0011014, OMIM 601200, HP:0100528.
Euthyroid goiter (MNG1). Also called: Goiter, multinodular 1, with or without Sertoli-Leydig cell tumors; GOITER, NONTOXIC, WITH INTRATHYROIDAL CALCIFICATION; MULTINODULAR GOITER, ADOLESCENT; SIMPLE GOITER. Identifiers: Orphanet 276399, MedGen C0302859, MONDO:0007681, OMIM 138800, HP:0009798.
Global developmental delay - lung cysts - overgrowth - Wilms tumor syndrome. Also called: GLOW Syndrome; GLOBAL DEVELOPMENTAL DELAY, LUNG CYSTS, OVERGROWTH, AND WILMS TUMOR. Identifiers: Orphanet 404476, MedGen C4748924, MONDO:0018445, OMIM 618272.
Hereditary cancer-predisposing syndrome. Also called: Hereditary neoplastic syndrome; Neoplastic Syndromes, Hereditary; Hereditary Cancer Syndrome; Tumor predisposition. Identifiers: Orphanet 140162, MedGen C0027672, MeSH D009386, MONDO:0015356.
DICER1-related tumor predisposition. Also called: DICER1 syndrome; DICER1-related pleuropulmonary blastoma cancer predisposition syndrome. Identifiers: Orphanet 284343, MedGen C3839822, MONDO:0100216.

Allele frequency attached by ClinVar (database versions not stated): gnomAD exomes below 0.00001; gnomAD 0.00001; TOPMed 0.00001.
gnomAD v4.1: 25 of 1,613,914 alleles (0.0015%); highest among the groups gnomAD compares: Non-Finnish European, 0.0021%; no homozygotes.

Submissions (8):

ClinGen DICER1 and miRNA-Processing Gene Variant Curation Expert Panel, ClinGen
Classification: Likely benign for DICER1-related tumor predisposition. Last evaluated: 2026-06-23. Review status: reviewed by expert panel. Criteria: ClinGen DICER1 ACMG Specifications DICER1 V1.4.0. Collection method: curation. Allele origin: germline. Inheritance: Autosomal dominant inheritance.
Comment: The NM_177438.2:c.4412C>T variant in DICER1 is a missense variant predicted to replace proline with leucine at codon 1471 (p.Pro1471Leu). This variant has been seen in 40 or more unrelated females without tumors through age 50 in at least one testing laboratory (BS2; Internal lab contributors). The highest population minor allele frequency in gnomAD v4.1.1 is 0.00002119 (25/1179938 alleles) in the European (non-Finnish) population (PM2_Supporting, BS1, and BA1 are not met). In silico tools predict no damaging impact of the variant on protein function (REVEL: 0.04 MaxEntScan and SpliceAI: no effect on splicing) (BP4). In summary, this variant meets the criteria to be classified as Likely Benign for DICER1 syndrome based on the ACMG/AMP criteria applied, as specified by the ClinGen DICER1 VCEP: BP4, BS2. (Bayesian Points: -5; VCEP specifications version 1.4.0; 06/23/2026)

Labcorp Genetics (formerly Invitae), Labcorp
Classification: Uncertain significance for DICER1-related tumor predisposition. Last evaluated: 2025-11-24. Review status: criteria provided, single submitter. Criteria: Invitae Variant Classification Sherloc (09022015). Collection method: clinical testing. Allele origin: germline. Not counted in ClinVar's aggregate classification.
Comment: This sequence change replaces proline, which is neutral and non-polar, with leucine, which is neutral and non-polar, at codon 1471 of the DICER1 protein (p.Pro1471Leu). This variant is not present in population databases (gnomAD no frequency). This variant has not been reported in the literature in individuals affected with DICER1-related conditions. ClinVar contains an entry for this variant (Variation ID: 412179). Invitae Evidence Modeling of protein sequence and biophysical properties (such as structural, functional, and spatial information, amino acid conservation, physicochemical variation, residue mobility, and thermodynamic stability) indicates that this missense variant is not expected to disrupt DICER1 protein function with a negative predictive value of 95%. In summary, the available evidence is currently insufficient to determine the role of this variant in disease. Therefore, it has been classified as a Variant of Uncertain Significance.

Ambry Genetics
Classification: Uncertain significance for Hereditary cancer-predisposing syndrome. Last evaluated: 2025-05-31. Review status: criteria provided, single submitter. Criteria: Ambry Variant Classification Scheme 2023. Collection method: clinical testing. Allele origin: germline. Not counted in ClinVar's aggregate classification.
Comment: The p.P1471L variant (also known as c.4412C>T), located in coding exon 22 of the DICER1 gene, results from a C to T substitution at nucleotide position 4412. The proline at codon 1471 is replaced by leucine, an amino acid with similar properties. This amino acid position is not well conserved in available vertebrate species. In addition, this alteration is predicted to be tolerated by in silico analysis. Since supporting evidence is limited at this time, the clinical significance of this alteration remains unclear.

Fulgent Genetics
Classification: Uncertain significance for Euthyroid goiter; Rhabdomyosarcoma, embryonal, 2; Pleuropulmonary blastoma; Global developmental delay - lung cysts - overgrowth - Wilms tumor syndrome. Last evaluated: 2024-03-13. Review status: criteria provided, single submitter. Criteria: ACMG Guidelines, 2015. Collection method: clinical testing. Allele origin: germline. Not counted in ClinVar's aggregate classification.

GeneDx
Classification: Uncertain significance. Last evaluated: 2023-06-22. Review status: criteria provided, single submitter. Criteria: GeneDx Variant Classification Process June 2021. Collection method: clinical testing. Allele origin: germline. Not counted in ClinVar's aggregate classification.
Comment: Not observed at significant frequency in large population cohorts (gnomAD); In silico analysis supports that this missense variant does not alter protein structure/function; Has not been previously published as pathogenic or benign to our knowledge

ARUP Laboratories, Molecular Genetics and Genomics, ARUP Laboratories
Classification: Uncertain significance. Last evaluated: 2022-04-06. Review status: criteria provided, single submitter. Criteria: ARUP Molecular Germline Variant Investigation Process 2021. Collection method: clinical testing. Allele origin: germline. Not counted in ClinVar's aggregate classification.
Comment: The DICER1 c.4412C>T; p.Pro1471Leu variant (rs1060503657), to our knowledge, is not reported in the medical literature but is reported in ClinVar (Variation ID: 412179). This variant is only observed on one allele in the Genome Aggregation Database, indicating it is not a common polymorphism. The proline at codon 1471 is moderately conserved, and computational analyses predict that this variant is neutral (REVEL: 0.04). However, given the lack of clinical and functional data, the significance of the p.Pro1471Leu variant is uncertain at this time.

Sema4
Classification: Uncertain significance for Hereditary cancer-predisposing syndrome. Last evaluated: 2022-03-13. Review status: criteria provided, single submitter. Criteria: Sema4 Curation Guidelines. Collection method: curation. Allele origin: germline. Not counted in ClinVar's aggregate classification.
Comment: To the best of our knowledge, the DICER1 c.4412C>T (p.P1471L) variant has not been reported in individuals with DICER1-related disease. This variant was observed in 1/113676 chromosomes in the Non-Finnish European subpopulation according to the Genome Aggregation Database (PMID: 32461654). The variant has been reported in ClinVar (Variation ID: 412179). In silico tools suggest the impact of the variant on protein function is benign, though these predictions have not been confirmed by functional studies. The evidence is insufficient to meet ACMG/AMP criteria for classifying the variant as benign or pathogenic. Thus, the clinical significance of this variant is currently uncertain.

Breakthrough Genomics
Classification: Uncertain significance. Review status: criteria provided, single submitter. Criteria: ACMG Guidelines, 2015. Collection method: not provided. Allele origin: germline. Inheritance: Autosomal dominant inheritance. Affected: yes. Not counted in ClinVar's aggregate classification.